The following is an entry in ClinVar:

ClinVar aggregate classification (germline): Uncertain significance (1 of 4 stars; one submission).

Allele frequency attached by ClinVar (database versions not stated): gnomAD exomes 0.00001; TOPMed 0.00002.
gnomAD v4.1: 12 of 1,211,457 alleles (0.00099%); highest among the groups gnomAD compares: Non-Finnish European, 0.0013%; no homozygotes.

Submission:

Labcorp Genetics (formerly Invitae), Labcorp
Classification: Uncertain significance. Last evaluated: 2018-07-23. Review status: criteria provided, single submitter. Criteria: Invitae Variant Classification Sherloc (09022015). Collection method: clinical testing. Allele origin: germline.
Comment: This sequence change replaces asparagine with aspartic acid at codon 802 of the KIAA2022 protein (p.Asn802Asp). The asparagine residue is highly conserved and there is a small physicochemical difference between asparagine and aspartic acid. This variant is not present in population databases (ExAC no frequency). This variant has not been reported in the literature in individuals with KIAA2022-related disease. Algorithms developed to predict the effect of missense changes on protein structure and function (SIFT, PolyPhen-2, Align-GVGD) all suggest that this variant is likely to be tolerated, but these predictions have not been confirmed by published functional studies and their clinical significance is uncertain. In summary, the available evidence is currently insufficient to determine the role of this variant in disease. Therefore, it has been classified as a Variant of Uncertain Significance.

NM_001008537.3(NEXMIF):c.2404A>G (p.Asn802Asp)

Gene: NEXMIF (neurite extension and migration factor; minus strand). Cytogenetic location: Xq13.3.
Variant type: single nucleotide variant.
Coding change: c.2404A>G on transcript NM_001008537.3 (MANE Select); coding-DNA position 2404, A replaced by G.
Protein change: p.Asn802Asp; replaces asparagine 802 with aspartic acid.
Molecular consequence: missense variant.
Genome position (GRCh38, 1-based): chrX:74,742,153, T>C on the plus strand (A>G on the coding strand, the complement: NEXMIF is on the minus strand). VCF-style: chrX-74742153-T-C. GRCh37 (hg19) VCF-style: chrX-73961988-T-C.
Other names: short protein forms N802D.
Identifiers: ClinVar variation 658292 (VCV000658292.8), dbSNP rs1003126361, ClinGen allele CA331301753.
Genomic context (GRCh38, chrX:74,742,153, plus strand): 5'-AAGCATCTAACAATGTCTGCAGATACCCTCCCGGGATAACAGGTATATTAGTGGTAACAT[T>C]AGCAGATGATAAAGGCATTTCAGAAGAGCATGTCGTTGGTAGAAAAGTGGAACTCTTAGC-3'
Protein context (NP_001008537.1, residues 792-812): CSSEMPLSSA[Asn802Asp]VTTNIPVIPG